The following is an entry in ClinVar:

ClinVar aggregate classification (germline): Pathogenic. Review status: criteria provided, multiple submitters, no conflicts (2 of 4 stars). 2 submissions from 2 submitters: Pathogenic (2). Last evaluated 2025-02-01.

Conditions:
Intellectual developmental disorder, autosomal recessive 27. Also called: Mental retardation, autosomal recessive 27; Intellectual disability, autosomal recessive 27. Identifiers: Orphanet 88616, MedGen C3280538, MONDO:0013702, OMIM 614340.

Submissions (2):

CeGaT Center for Human Genetics Tuebingen
Classification: Pathogenic. Last evaluated: 2025-02-01. Review status: criteria provided, single submitter. Criteria: CeGaT Center For Human Genetics Tuebingen Variant Classification Criteria Version 2. Collection method: clinical testing. Allele origin: germline. Affected: yes. Observed: 1 variant allele.
Comment: LINS1: PVS1, PM2

3billion
Classification: Pathogenic for Intellectual developmental disorder, autosomal recessive 27. Last evaluated: 2024-11-25. Review status: criteria provided, single submitter. Criteria: ACMG Guidelines, 2015. Collection method: clinical testing. Allele origin: germline. Affected: yes.
Comment: The variant is observed at an extremely low frequency in the gnomAD v4.1.0 dataset (total allele frequency: 0.001%). Predicted Consequence/Location: Frameshift: predicted to result in a loss or disruption of normal protein function through nonsense-mediated decay (NMD) or protein truncation. Multiple pathogenic variants are reported downstream of the variant. The variant has been reported to be associated with LINS1-related disorder (PMID: 21937992 /3billion dataset). Therefore, this variant is classified as Pathogenic according to the recommendation of ACMG/AMP guideline.

Literature cited by the submitters: PubMed 21937992 (cited by 3billion).

NM_001040616.3(LINS1):c.982_985del (p.His328fs)

Gene: LINS1 (lines homolog 1; minus strand). Cytogenetic location: 15q26.3.
Variant type: Deletion.
Coding change: c.982_985del on transcript NM_001040616.3 (MANE Select); coding-DNA positions 982 to 985, 4 bases deleted (CATC; older notation c.982_985delCATC).
Protein change: p.His328fs; shifts the reading frame from histidine 328.
Molecular consequence: frameshift variant. On other transcripts: non-coding transcript variant (3).
Genome position (GRCh38, 1-based): chr15:100,573,888-100,573,891, GATG deleted on the plus strand (CATC on the coding strand, the reverse complement: LINS1 is on the minus strand); deleting any 4 consecutive bases within chr15:100,573,888-100,573,892 gives the same sequence; the c. name uses the placement nearest the transcript's 3' end. VCF-style (leftmost placement, unchanged base first): chr15-100573887-TGATG-T. GRCh37 (hg19) VCF-style: chr15-101114092-TGATG-T.
Other names: c.235_238del, p.His79fs (NM_001352507.2); c.937_940del, p.His313fs (NM_001352508.2); short protein forms H313fs, H328fs, H79fs.
Identifiers: ClinVar variation 3771635 (VCV003771635.14).